The following is an entry in ClinVar:

ClinVar aggregate classification (germline): Conflicting classifications of pathogenicity. Review status: criteria provided, conflicting classifications (1 of 4 stars). 8 submissions from 7 submitters: Uncertain significance (1); Benign (2); Likely benign (3). 2 of the submissions do not count toward it. Last evaluated 2026-01-28.

Conditions:
NF1-related disorder. Also called: NF1-related condition. Identifiers: MedGen CN379171.
Cardiovascular phenotype. Identifiers: MedGen CN230736.
Hereditary cancer-predisposing syndrome. Also called: Neoplastic Syndromes, Hereditary; Tumor predisposition; Hereditary Cancer Syndrome; Hereditary neoplastic syndrome. Identifiers: Orphanet 140162, MedGen C0027672, MeSH D009386, MONDO:0015356.
Ovarian cancer. Also called: OVARIAN CANCER, SOMATIC. Identifiers: Orphanet 213500, MedGen C1140680, MONDO:0008170, OMIM 167000.
Neurofibromatosis, type 1 (NF1). Also called: NEUROFIBROMATOSIS, TYPE I, SOMATIC; Peripheral type neurofibromatosis; Neurofibromatosis, type I; VON RECKLINGHAUSEN DISEASE. Identifiers: Orphanet 636, MedGen C0027831, MONDO:0018975, OMIM 162200. Disease mechanism: loss of function.

Allele frequency attached by ClinVar (database versions not stated): gnomAD 0.00004; TOPMed 0.00008.

Submissions (8):

Labcorp Genetics (formerly Invitae), Labcorp
Classification: Likely benign for Neurofibromatosis, type 1. Last evaluated: 2026-01-28. Review status: criteria provided, single submitter. Criteria: Invitae Variant Classification Sherloc (09022015). Collection method: clinical testing. Allele origin: germline.

PreventionGenetics, part of Exact Sciences
Classification: Likely benign for NF1-related condition. Last evaluated: 2025-06-24. Review status: criteria provided, single submitter. Criteria: ACMG Guidelines, 2015. Collection method: clinical testing. Allele origin: germline.
Comment: This variant is classified as likely benign based on ACMG/AMP sequence variant interpretation guidelines (Richards et al. 2015 PMID: 25741868, with internal and published modifications).

Laboratory of Molecular Epidemiology of Birth Defects, West China Second University Hospital, Sichuan University
Classification: Benign for Ovarian cancer. Last evaluated: 2022-01-01. Review status: criteria provided, single submitter. Criteria: ACMG Guidelines, 2015. Collection method: clinical testing. Allele origin: germline. Affected: yes.

Ambry Genetics
Classification: Benign for Cardiovascular phenotype; Hereditary cancer-predisposing syndrome. Last evaluated: 2021-09-30. Review status: criteria provided, single submitter. Criteria: Ambry Variant Classification Scheme 2023. Collection method: clinical testing. Allele origin: germline.

Sema4
Classification: Likely benign for Hereditary cancer-predisposing syndrome. Last evaluated: 2021-05-30. Review status: criteria provided, single submitter. Criteria: Sema4 Curation Guidelines. Collection method: curation. Allele origin: germline.

Ambry Genetics
Classification: Uncertain significance for Hereditary cancer-predisposing syndrome. Last evaluated: 2015-06-25. Review status: criteria provided, single submitter. Criteria: Ambry Autosomal Dominant and X-Linked criteria (10/2015). Collection method: clinical testing. Allele origin: germline. Observed: 1 variant allele.
Comment: The p.M1162V variant (also known as c.3484A>G), located in coding exon 26 of the NF1 gene, results from an A to G substitution at nucleotide position 3484. The methionine at codon 1162 is replaced by valine, an amino acid with highly similar properties. This variant was not reported in population based cohorts in the following databases: Database of Single Nucleotide Polymorphisms (dbSNP), NHLBI Exome Sequencing Project (ESP), and 1000 Genomes Project. In the ESP, this variant was not observed in 6503 samples (13006 alleles) with coverage at this position. To date, this alteration has been detected with an allele frequency of approximately 0.002% (greater than 55000alleles tested) in our clinical cohort.This amino acid position is highly conserved in available vertebrate species. In addition, the in silico prediction for this alteration is inconclusive.Since supporting evidence is limited at this time, the clinical significance of p.M1162Vremains unclear.

Genetic Services Laboratory, University of Chicago
Classification: Likely benign. Last evaluated: 2022-07-13. Review status: no assertion criteria provided. Collection method: clinical testing. Allele origin: germline. Affected: no. Not counted in ClinVar's aggregate classification.

Department of Pathology and Laboratory Medicine, Sinai Health System
Classification: Uncertain significance. Review status: no assertion criteria provided. Collection method: clinical testing. Allele origin: unknown. Affected: yes. Study: The Canadian Open Genetics Repository (COGR). Not counted in ClinVar's aggregate classification.
Comment: The NF1 p.M1162V variant was identified in one of 200 proband chromosomes (frequency: 0.005) from individuals or families with a clinical diagnosis of Neurofibromatosis type 1 (NF1) (Wu-Chou_2018_PMID:30290804). The variant was also identified in one of 34 proband chromosomes (frequency: 0.029) from individuals with a clinical diagnosis of Noonan syndrome (Koh_2019_PMID:30784236). The variant was also identified in dbSNP (ID: rs773968270) and in ClinVar (conflicting interpretations of pathogenicity; classified as uncertain significance by Ambry Genetics and likely benign by Invitae for Neurofibromatosis type 1 and Hereditary cancer-predisposing syndrome). The variant was not identified in COSMIC or LOVD 3.0. The variant was identified in control databases in 32 of 282690 chromosomes at a frequency of 0.000113 (Genome Aggregation Database March 6, 2019, v2.1.1). The variant was observed in the following populations: East Asian in 31 of 19924 chromosomes (freq: 0.001556) and European (non-Finnish) in 1 of 129068 chromosomes (freq: 0.000008), but was not observed in the African, Latino, Ashkenazi Jewish, European (Finnish), Other, or South Asian populations. The p.Met1162 residue is conserved in mammals but not in more distantly related organisms however four out of five computational analyses (PolyPhen-2, SIFT, AlignGVGD, BLOSUM, MutationTaster) do not suggest a high likelihood of impact to the protein; this information is not predictive enough to rule out pathogenicity. The variant occurs outside of the splicing consensus sequence and in silico or computational prediction software programs (SpliceSiteFinder, MaxEntScan, NNSPLICE, GeneSplicer) do not predict a difference in splicing. In summary, based on the above information the clinical significance of this variant cannot be determined with certainty at this time. This variant is classified as a variant of uncertain significance.

Literature cited by the submitters: PubMed 30290804 (cited by Sema4); PubMed 30784236 (cited by Sema4).

NM_001042492.3(NF1):c.3484A>G (p.Met1162Val)

Gene: NF1 (neurofibromin 1; plus strand). Cytogenetic location: 17q11.2.
Variant type: single nucleotide variant.
Coding change: c.3484A>G on transcript NM_001042492.3 (MANE Select); coding-DNA position 3484, A replaced by G.
Protein change: p.Met1162Val; replaces methionine 1162 with valine.
Molecular consequence: missense variant.
Genome position (GRCh38, 1-based): chr17:31,232,869, A>G. VCF-style: chr17-31232869-A-G. GRCh37 (hg19) VCF-style: chr17-29559887-A-G.
Other names: c.3484A>G, p.Met1162Val (NM_000267.4); short protein forms M1162V.
Identifiers: ClinVar variation 219750 (VCV000219750.20), dbSNP rs773968270, ClinGen allele CA350628.